The following is an entry in ClinVar:

ClinVar aggregate classification (germline): Uncertain significance (1 of 4 stars; one submission).

Submission:

Ambry Genetics
Classification: Uncertain significance. Last evaluated: 2021-12-10. Review status: criteria provided, single submitter. Criteria: Ambry Variant Classification Scheme 2023. Collection method: clinical testing. Allele origin: germline.
Comment: The p.N1071K variant (also known as c.3213T>A), located in coding exon 27 of the PRKDC gene, results from a T to A substitution at nucleotide position 3213. The asparagine at codon 1071 is replaced by lysine, an amino acid with similar properties. This amino acid position is conserved. In addition, this alteration is predicted to be tolerated by in silico analysis. Since supporting evidence is limited at this time, the clinical significance of this alteration remains unclear.

NM_006904.7(PRKDC):c.3213T>A (p.Asn1071Lys)

Gene: PRKDC (protein kinase, DNA-activated, catalytic subunit; minus strand). Cytogenetic location: 8q11.21.
Variant type: single nucleotide variant.
Coding change: c.3213T>A on transcript NM_006904.7 (MANE Select); coding-DNA position 3213, T replaced by A.
Protein change: p.Asn1071Lys; replaces asparagine 1071 with lysine.
Molecular consequence: missense variant.
Genome position (GRCh38, 1-based): chr8:47,902,625, A>T on the plus strand (T>A on the coding strand, the complement: PRKDC is on the minus strand). VCF-style: chr8-47902625-A-T. GRCh37 (hg19) VCF-style: chr8-48815185-A-T.
Other names: c.3213T>A, p.Asn1071Lys (NM_001081640.2); short protein forms N1071K.
Identifiers: ClinVar variation 1728968 (VCV001728968.2), dbSNP rs2551875551, ClinGen allele CA371156634.